The following is an entry in ClinVar:

ClinVar aggregate classification (germline): Conflicting classifications of pathogenicity. Review status: criteria provided, conflicting classifications (1 of 4 stars). 3 submissions from 3 submitters: Uncertain significance (1); Likely benign (2). Last evaluated 2026-01-23.

Conditions:
Cone-rod dystrophy 7 (CORD7). Identifiers: Orphanet 1872, MedGen C1863634, MONDO:0011355, OMIM 603649.

Allele frequency attached by ClinVar (database versions not stated): gnomAD 0.00003 and 0.00004; TOPMed 0.00006; gnomAD exomes 0.00011 and 0.00024; ExAC 0.00022.
gnomAD v4.1: 72 of 1,613,352 alleles (0.0045%); highest among the groups gnomAD compares: Admixed American, 0.12%; no homozygotes.

Submissions (3):

Labcorp Genetics (formerly Invitae), Labcorp
Classification: Likely benign. Last evaluated: 2026-01-23. Review status: criteria provided, single submitter. Criteria: Invitae Variant Classification Sherloc (09022015). Collection method: clinical testing. Allele origin: germline.

Blueprint Genetics
Classification: Likely benign. Last evaluated: 2021-07-06. Review status: criteria provided, single submitter. Criteria: ACMG Guidelines, 2015. Collection method: clinical testing. Allele origin: germline.

Baylor Genetics
Classification: Uncertain significance for Cone-rod dystrophy 7. Last evaluated: 2018-01-09. Review status: criteria provided, single submitter. Criteria: ACMG Guidelines, 2015. Collection method: clinical testing. Allele origin: unknown. Affected: yes.
Comment: This variant was determined to be of uncertain significance according to ACMG Guidelines, 2015 [PMID:25741868].

NM_014989.7(RIMS1):c.2890A>G (p.Lys964Glu)

Gene: RIMS1 (regulating synaptic membrane exocytosis 1; plus strand). Cytogenetic location: 6q13.
Variant type: single nucleotide variant.
Coding change: c.2890A>G on transcript NM_014989.7 (MANE Select); coding-DNA position 2890, A replaced by G.
Protein change: p.Lys964Glu; replaces lysine 964 with glutamic acid.
Molecular consequence: missense variant.
Genome position (GRCh38, 1-based): chr6:72,258,244, A>G. VCF-style: chr6-72258244-A-G. GRCh37 (hg19) VCF-style: chr6-72967947-A-G.
Other names: c.1309A>G, p.Lys437Glu (NM_001350434.2, NM_001350435.2, NM_001350436.2 and 19 more transcripts); c.1240A>G, p.Lys414Glu (NM_001350437.2, NM_001350421.2, NM_001350430.2 and 2 more transcripts); c.1312A>G, p.Lys438Glu (NM_001350439.2, NM_001350442.2, NM_001350455.2 and 15 more transcripts); c.1243A>G, p.Lys415Glu (NM_001350459.2, NM_001350462.2, NM_001350424.2 and 1 more transcripts); c.1066A>G, p.Lys356Glu (NM_001350461.2, NM_001350463.2, NM_001350468.2); c.1069A>G, p.Lys357Glu (NM_001350464.2, NM_001168409.2, NM_001350465.2 and 3 more transcripts); c.1267A>G, p.Lys423Glu (NM_001168410.2, NM_001350470.2, NM_001350473.2 and 1 more transcripts); c.1264A>G, p.Lys422Glu (NM_001350472.2); short protein forms K415E, K437E, K357E, K422E, K356E, K414E, K438E, K423E.
Identifiers: ClinVar variation 958710 (VCV000958710.12), dbSNP rs767699562, ClinGen allele CA3886060.